The following is an entry in ClinVar:

ClinVar aggregate classification (germline): Likely benign. Review status: criteria provided, multiple submitters, no conflicts (2 of 4 stars). 4 submissions from 4 submitters: Likely benign (4). Last evaluated 2025-09-08.

Conditions:
RASopathy. Also called: rasopathies; Noonan spectrum disorder. Identifiers: Orphanet 536391, MedGen C5555857, MONDO:0021060.

Allele frequency attached by ClinVar (database versions not stated): gnomAD exomes below 0.00001 and 0.00001; gnomAD 0.00001 and 0.00002; TOPMed 0.00001.
gnomAD v4.1: 23 of 1,612,534 alleles (0.0014%); highest among the groups gnomAD compares: Middle Eastern, 0.033%; no homozygotes.

Submissions (4):

Labcorp Genetics (formerly Invitae), Labcorp
Classification: Likely benign for RASopathy. Last evaluated: 2025-09-08. Review status: criteria provided, single submitter. Criteria: Invitae Variant Classification Sherloc (09022015). Collection method: clinical testing. Allele origin: germline.

Women's Health and Genetics/Laboratory Corporation of America, LabCorp
Classification: Likely benign. Last evaluated: 2024-12-12. Review status: criteria provided, single submitter. Criteria: LabCorp Variant Classification Summary - May 2015. Collection method: clinical testing. Allele origin: germline.

Blueprint Genetics
Classification: Likely benign. Last evaluated: 2024-08-22. Review status: criteria provided, single submitter. Criteria: ACMG Guidelines, 2015. Collection method: clinical testing. Allele origin: germline.

Laboratory for Molecular Medicine, Mass General Brigham Personalized Medicine
Classification: Likely benign. Last evaluated: 2012-11-30. Review status: criteria provided, single submitter. Criteria: LMM Criteria. Collection method: clinical testing. Allele origin: germline. Observed: 2 variant alleles.
Comment: 450+14G>A in intron 03 of MAP2K2: This variant is not expected to have clinical significance because it is not located within the splice consensus sequence.

NM_030662.4(MAP2K2):c.450+14G>A

Gene: MAP2K2 (mitogen-activated protein kinase kinase 2; minus strand). Cytogenetic location: 19p13.3.
Variant type: single nucleotide variant.
Coding change: c.450+14G>A on transcript NM_030662.4 (MANE Select); 14 bases into the intron after coding-DNA position 450, G replaced by A.
Molecular consequence: intron variant.
Genome position (GRCh38, 1-based): chr19:4,110,495, C>T on the plus strand (G>A on the coding strand, the complement: MAP2K2 is on the minus strand). VCF-style: chr19-4110495-C-T. GRCh37 (hg19) VCF-style: chr19-4110493-C-T.
Identifiers: ClinVar variation 46236 (VCV000046236.16), dbSNP rs397517414, ClinGen allele CA137941.